The following is an entry in ClinVar:

ClinVar aggregate classification (germline): Likely pathogenic (1 of 4 stars; one submission).

Conditions:
RECQL4-related disorder. Also called: RECQL4-related disorders; RECQL4-related condition.

Submission:

Women's Health and Genetics/Laboratory Corporation of America, LabCorp
Classification: Likely pathogenic for RECQL4-Related Disorders. Last evaluated: 2022-12-07. Review status: criteria provided, single submitter. Criteria: LabCorp Variant Classification Summary - May 2015. Collection method: clinical testing. Allele origin: germline.
Comment: Variant summary: RECQL4 c.2585C>A (p.Ser862X) results in a premature termination codon, predicted to cause a truncation of the encoded protein or absence of the protein due to nonsense mediated decay, which are commonly known mechanisms for disease. Truncations downstream of this position are classified as pathogenic in ClinVar. The variant was absent in 182372 control chromosomes. To our knowledge, no occurrence of c.2585C>A in individuals affected with RECQL4-Related Disorders and no experimental evidence demonstrating its impact on protein function have been reported. No clinical diagnostic laboratories have submitted clinical-significance assessments for this variant to ClinVar after 2014. Based on the evidence outlined above, the variant was classified as likely pathogenic.

NM_004260.4(RECQL4):c.2585C>A (p.Ser862Ter)

Gene: RECQL4 (RecQ like helicase 4; minus strand). Cytogenetic location: 8q24.3.
Variant type: single nucleotide variant.
Coding change: c.2585C>A on transcript NM_004260.4 (MANE Select); coding-DNA position 2585, C replaced by A.
Protein change: p.Ser862Ter; replaces serine 862 with a stop codon.
Molecular consequence: nonsense.
Genome position (GRCh38, 1-based): chr8:144,513,017, G>T on the plus strand (C>A on the coding strand, the complement: RECQL4 is on the minus strand). VCF-style: chr8-144513017-G-T. GRCh37 (hg19) VCF-style: chr8-145738400-G-T.
Other names: c.2291C>A, p.Ser764Ter (NM_001413017.1); c.2387C>A, p.Ser796Ter (NM_001413018.1); c.2585C>A, p.Ser862Ter (NM_001413019.1, NM_001413036.1); c.2489C>A, p.Ser830Ter (NM_001413020.1); c.1514C>A, p.Ser505Ter (NM_001413021.1, NM_001413022.1, NM_001413023.1 and 5 more transcripts); c.2456C>A, p.Ser819Ter (NM_001413025.1); c.1448C>A, p.Ser483Ter (NM_001413027.1, NM_001413030.1, NM_001413032.1 and 1 more transcripts); c.2234C>A, p.Ser745Ter (NM_001413029.1); and 6 more; short protein forms S495*, S745*, S796*, S830*, S862*, S373*, S439*, S483*.
Identifiers: ClinVar variation 1878233 (VCV001878233.1), dbSNP rs781636798, ClinGen allele CA372676960.